The following is an entry in ClinVar:

ClinVar aggregate classification (germline): Uncertain significance (1 of 4 stars; one submission).

Conditions:
Inborn genetic diseases. Identifiers: MedGen C0950123, MeSH D030342.

gnomAD v4.1: 1 of 1,613,932 alleles (0.000062%); highest among the groups gnomAD compares: Non-Finnish European, 0.000085%; no homozygotes.

Submission:

Ambry Genetics
Classification: Uncertain significance for Inborn genetic diseases. Last evaluated: 2025-01-06. Review status: criteria provided, single submitter. Criteria: Ambry Variant Classification Scheme 2023. Collection method: clinical testing. Allele origin: germline.
Comment: The p.T104P variant (also known as c.310A>C), located in coding exon 3 of the RTEL1 gene, results from an A to C substitution at nucleotide position 310. The threonine at codon 104 is replaced by proline, an amino acid with highly similar properties. This amino acid position is conserved. In addition, this alteration is predicted to be tolerated by in silico analysis. Based on the available evidence, the clinical significance of this variant remains unclear.

NM_001283009.2(RTEL1):c.310A>C (p.Thr104Pro)

Genes: RTEL1 (regulator of telomere elongation helicase 1; plus strand), RTEL1-TNFRSF6B (RTEL1-TNFRSF6B readthrough (NMD candidate); plus strand). Cytogenetic location: 20q13.33.
Variant type: single nucleotide variant.
Coding change: c.310A>C on transcript NM_001283009.2 (MANE Select); coding-DNA position 310, A replaced by C.
Protein change: p.Thr104Pro; replaces threonine 104 with proline.
Molecular consequence: missense variant. On other transcripts: non-coding transcript variant (1), 5 prime UTR variant (1).
Genome position (GRCh38, 1-based): chr20:63,661,858, A>C. VCF-style: chr20-63661858-A-C. GRCh37 (hg19) VCF-style: chr20-62293211-A-C.
Other names: c.-360A>C (NM_001283010.1); c.310A>C, p.Thr104Pro (NM_016434.4, NM_032957.5); short protein forms T104P.
Identifiers: ClinVar variation 3791031 (VCV003791031.1).